The following is an entry in ClinVar:

ClinVar aggregate classification (germline): Conflicting classifications of pathogenicity. Review status: criteria provided, conflicting classifications (1 of 4 stars). 3 submissions from 3 submitters: Uncertain significance (2); Likely benign (1). Last evaluated 2026-01-26.

Conditions:
Familial meningioma. Also called: Meningioma, familial, susceptibility to. Identifiers: Orphanet 263662, MedGen C3551915, MONDO:0011789, OMIM 607174.
Hereditary cancer-predisposing syndrome. Also called: Neoplastic Syndromes, Hereditary; Hereditary Cancer Syndrome; Hereditary neoplastic syndrome; Tumor predisposition. Identifiers: Orphanet 140162, MedGen C0027672, MeSH D009386, MONDO:0015356.

Allele frequency attached by ClinVar (database versions not stated): gnomAD exomes below 0.00001; gnomAD 0.00001; TOPMed 0.00002.
gnomAD v4.1: 7 of 1,613,718 alleles (0.00043%); highest among the groups gnomAD compares: Admixed American, 0.0017%; no homozygotes.

Submissions (3):

Labcorp Genetics (formerly Invitae), Labcorp
Classification: Uncertain significance for Familial meningioma. Last evaluated: 2026-01-26. Review status: criteria provided, single submitter. Criteria: Invitae Variant Classification Sherloc (09022015). Collection method: clinical testing. Allele origin: germline.
Comment: This sequence change replaces alanine, which is neutral and non-polar, with threonine, which is neutral and polar, at codon 290 of the SMARCE1 protein (p.Ala290Thr). This variant is present in population databases (no rsID available, gnomAD no frequency). This variant has not been reported in the literature in individuals affected with SMARCE1-related conditions. ClinVar contains an entry for this variant (Variation ID: 463437). Invitae Evidence Modeling of protein sequence and biophysical properties (such as structural, functional, and spatial information, amino acid conservation, physicochemical variation, residue mobility, and thermodynamic stability) indicates that this missense variant is not expected to disrupt SMARCE1 protein function with a negative predictive value of 80%. In summary, the available evidence is currently insufficient to determine the role of this variant in disease. Therefore, it has been classified as a Variant of Uncertain Significance.

Baylor Genetics
Classification: Uncertain significance for Familial meningioma. Last evaluated: 2023-09-09. Review status: criteria provided, single submitter. Criteria: ACMG Guidelines, 2015. Collection method: clinical testing. Allele origin: unknown.

Ambry Genetics
Classification: Likely benign for Hereditary cancer-predisposing syndrome. Last evaluated: 2021-02-24. Review status: criteria provided, single submitter. Criteria: Ambry Variant Classification Scheme 2023. Collection method: clinical testing. Allele origin: germline.

NM_003079.5(SMARCE1):c.868G>A (p.Ala290Thr)

Gene: SMARCE1 (SWI/SNF related BAF chromatin remodeling complex subunit E1; minus strand). Cytogenetic location: 17q21.2.
Variant type: single nucleotide variant.
Coding change: c.868G>A on transcript NM_003079.5 (MANE Select); coding-DNA position 868, G replaced by A.
Protein change: p.Ala290Thr; replaces alanine 290 with threonine.
Molecular consequence: missense variant.
Genome position (GRCh38, 1-based): chr17:40,630,873, C>T on the plus strand (G>A on the coding strand, the complement: SMARCE1 is on the minus strand). VCF-style: chr17-40630873-C-T. GRCh37 (hg19) VCF-style: chr17-38787125-C-T.
Other names: short protein forms A290T.
Identifiers: ClinVar variation 463437 (VCV000463437.15), dbSNP rs1395650269, ClinGen allele CA399363829.